The following is an entry in ClinVar:

ClinVar aggregate classification (germline): Pathogenic (1 of 4 stars; one submission).

Allele frequency attached by ClinVar (database versions not stated): gnomAD 0.00001; TOPMed 0.00001.
gnomAD v4.1: 8 of 1,613,474 alleles (0.0005%); highest among the groups gnomAD compares: Non-Finnish European, 0.00068%; no homozygotes.

Submission:

Labcorp Genetics (formerly Invitae), Labcorp
Classification: Pathogenic. Last evaluated: 2024-12-17. Review status: criteria provided, single submitter. Criteria: Invitae Variant Classification Sherloc (09022015). Collection method: clinical testing. Allele origin: germline.
Comment: This sequence change creates a premature translational stop signal (p.Arg2847*) in the SPEG gene. It is expected to result in an absent or disrupted protein product. Loss-of-function variants in SPEG are known to be pathogenic (PMID: 19118250, 25087613). This variant is present in population databases (no rsID available, gnomAD 0.007%). This variant has not been reported in the literature in individuals affected with SPEG-related conditions. ClinVar contains an entry for this variant (Variation ID: 2889598). For these reasons, this variant has been classified as Pathogenic.

Literature cited by the submitters: PubMed 19118250; PubMed 25087613.

NM_005876.5(SPEG):c.8539C>T (p.Arg2847Ter)

Genes: ASIC4-AS1 (ASIC4 antisense RNA 1; minus strand), SPEG (striated muscle enriched protein kinase; plus strand). Cytogenetic location: 2q35.
Variant type: single nucleotide variant.
Coding change: c.8539C>T on transcript NM_005876.5 (MANE Select); coding-DNA position 8539, C replaced by T.
Protein change: p.Arg2847Ter; replaces arginine 2847 with a stop codon.
Molecular consequence: nonsense.
Genome position (GRCh38, 1-based): chr2:219,489,557, C>T. VCF-style: chr2-219489557-C-T. GRCh37 (hg19) VCF-style: chr2-220354279-C-T.
Other names: short protein forms R2847*.
Identifiers: ClinVar variation 2889598 (VCV002889598.3), dbSNP rs1322832121, ClinGen allele CA350709303.